The following is an entry in ClinVar:

ClinVar aggregate classification (germline): Uncertain significance (1 of 4 stars; one submission).

Allele frequency attached by ClinVar (database versions not stated): gnomAD exomes below 0.00001; gnomAD 0.00001; TOPMed 0.00001.
gnomAD v4.1: 5 of 1,613,976 alleles (0.00031%); highest among the groups gnomAD compares: Non-Finnish European, 0.00042%; no homozygotes.

Submission:

Labcorp Genetics (formerly Invitae), Labcorp
Classification: Uncertain significance. Last evaluated: 2024-02-06. Review status: criteria provided, single submitter. Criteria: Invitae Variant Classification Sherloc (09022015). Collection method: clinical testing. Allele origin: germline.
Comment: This sequence change replaces methionine, which is neutral and non-polar, with threonine, which is neutral and polar, at codon 922 of the MICAL1 protein (p.Met922Thr). This variant is present in population databases (no rsID available, gnomAD 0.002%). This variant has not been reported in the literature in individuals affected with MICAL1-related conditions. ClinVar contains an entry for this variant (Variation ID: 1981851). An algorithm developed to predict the effect of missense changes on protein structure and function (PolyPhen-2) suggests that this variant is likely to be tolerated. In summary, the available evidence is currently insufficient to determine the role of this variant in disease. Therefore, it has been classified as a Variant of Uncertain Significance.

NM_022765.4(MICAL1):c.2708T>C (p.Met903Thr)

Gene: MICAL1 (microtubule associated monooxygenase, calponin and LIM domain containing 1; minus strand). Cytogenetic location: 6q21.
Variant type: single nucleotide variant.
Coding change: c.2708T>C on transcript NM_022765.4 (MANE Select); coding-DNA position 2708, T replaced by C.
Protein change: p.Met903Thr; replaces methionine 903 with threonine.
Molecular consequence: missense variant.
Genome position (GRCh38, 1-based): chr6:109,445,495, A>G on the plus strand (T>C on the coding strand, the complement: MICAL1 is on the minus strand). VCF-style: chr6-109445495-A-G. GRCh37 (hg19) VCF-style: chr6-109766698-A-G.
Other names: c.2450T>C, p.Met817Thr (NM_001159291.2); c.2765T>C, p.Met922Thr (NM_001286613.2); short protein forms M817T, M903T, M922T.
Identifiers: ClinVar variation 1981851 (VCV001981851.4), dbSNP rs1488242651, ClinGen allele CA365222185.